The following is an entry in ClinVar:

ClinVar aggregate classification (germline): Likely benign. Review status: criteria provided, multiple submitters, no conflicts (2 of 4 stars). 2 submissions from 2 submitters: Likely benign (2). Last evaluated 2026-08-01.

Submissions (2):

CeGaT Center for Human Genetics Tuebingen
Classification: Likely benign. Last evaluated: 2026-08-01. Review status: criteria provided, single submitter. Criteria: CeGaT Center For Human Genetics Tuebingen Variant Classification Criteria Version 2. Collection method: clinical testing. Allele origin: germline. Affected: yes. Observed: 2 variant alleles.
Comment: TRIO: BS1

GeneDx
Classification: Likely benign. Last evaluated: 2022-05-06. Review status: criteria provided, single submitter. Criteria: GeneDx Variant Classification Process June 2021. Collection method: clinical testing. Allele origin: germline. Affected: yes.
Comment: See Variant Classification Assertion Criteria.

NM_007118.4(TRIO):c.6922_6924del (p.Ser2308del)

Gene: TRIO (trio Rho guanine nucleotide exchange factor; plus strand). Cytogenetic location: 5p15.2.
Variant type: Deletion.
Coding change: c.6922_6924del on transcript NM_007118.4 (MANE Select); coding-DNA positions 6922 to 6924, 3 bases deleted (AGC; older notation c.6922_6924delAGC).
Protein change: p.Ser2308del; deletes serine 2308.
Molecular consequence: inframe deletion. On other transcripts: non-coding transcript variant (1).
Genome position (GRCh38, 1-based): chr5:14,487,550-14,487,552, AGC deleted; deleting any 3 consecutive bases within chr5:14,487,548-14,487,552 gives the same sequence; the c. name uses the placement nearest the transcript's 3' end. VCF-style (leftmost placement, unchanged base first): chr5-14487547-GGCA-G. GRCh37 (hg19) VCF-style: chr5-14487656-GGCA-G.
Other names: c.6922_6924delAGC (NM_007118.2); short protein forms S2308del.
Identifiers: ClinVar variation 1205580 (VCV001205580.9), dbSNP rs899466808, ClinGen allele CA114003690.
Genomic context (GRCh38, chr5:14,487,547, plus strand): 5'-CAGAGGAACCACAGCGGGGGCGGCGGCGGCGGCGGCAGCGGGGGCAGCGGCGGGGGTGGG[GGCA>G]GCGGCGGCGGCGGGGCCCCCAGTGGCGGCAGCGGCCACAGTGGCGGCCCCAGCAGCTGCG-3'